The following is an entry in ClinVar:

ClinVar aggregate classification (germline): Likely pathogenic. Review status: criteria provided, single submitter (1 of 4 stars). 2 submissions from 1 submitter: Likely pathogenic (1). 1 of the submissions does not count toward it. Last evaluated 2018-01-09.

Conditions:
Retinal dystrophy. Also called: Inherited retinal dystrophy. Identifiers: Orphanet 71862, MedGen C0854723, MeSH D058499, MONDO:0019118, HP:0000556.
Retinitis pigmentosa 3. Also called: CHOROIDORETINAL DEGENERATION WITH RETINAL REFLEX IN HETEROZYGOUS WOMEN. Identifiers: Orphanet 791, MedGen C1845667, MONDO:0010227, OMIM 300029.

Submissions (2):

Blueprint Genetics
Classification: Likely pathogenic for Retinal dystrophy. Last evaluated: 2018-01-09. Review status: criteria provided, single submitter. Criteria: Blueprint Genetics Variant Classification Scheme. Collection method: clinical testing. Allele origin: germline. Affected: yes.

Blueprint Genetics
Classification: Likely pathogenic for Retinitis pigmentosa 3. Review status: no assertion criteria provided. Collection method: clinical testing. Allele origin: germline. Affected: yes. Not counted in ClinVar's aggregate classification.

NM_001034853.2(RPGR):c.2168_2171del (p.Arg723fs)

Gene: RPGR (retinitis pigmentosa GTPase regulator; minus strand). Cytogenetic location: Xp11.4.
Variant type: Microsatellite.
Coding change: c.2168_2171del on transcript NM_001034853.2 (MANE Select); coding-DNA positions 2168 to 2171, 4 bases deleted (GAAA; older notation c.2168_2171delGAAA).
Protein change: p.Arg723fs; shifts the reading frame from arginine 723.
Molecular consequence: frameshift variant. On other transcripts: intron variant (8).
Genome position (GRCh38, 1-based): chrX:38,286,828-38,286,831, TTTC deleted on the plus strand (GAAA on the coding strand, the reverse complement: RPGR is on the minus strand); deleting any 4 consecutive bases within chrX:38,286,828-38,286,835 gives the same sequence; the c. name uses the placement nearest the transcript's 3' end. VCF-style (leftmost placement, unchanged base first): chrX-38286827-GTTTC-G. GRCh37 (hg19) VCF-style: chrX-38146080-GTTTC-G.
Other names: c.1569+4128_1569+4131del (NM_001367249.1, NM_001367250.1); c.1902+263_1902+266del (NM_001367245.1); c.1386+4128_1386+4131del (NM_001367251.1); c.1719+263_1719+266del (NM_001367246.1); c.1572+4128_1572+4131del (NM_001367247.1); c.1905+263_1905+266del (NM_000328.3); c.1602+4128_1602+4131del (NM_001367248.1); c.2168_2171del (NM_001034853.1); short protein forms R723fs.
Identifiers: ClinVar variation 866053 (VCV000866053.2), dbSNP rs2067190922, ClinGen allele CA916083912.
Genomic context (GRCh38, chrX:38,286,827, plus strand): 5'-GTCTCCCTCCTCTTCTTCTCCTTCTCCATGCTCCTCCTCCCCTCCCTCCTCCATCTCTTG[GTTTC>G]TTTCCTTCTGATGGCCCTGCTCCCTCTCCTTTTGCTCCTGCTCTTCCCCATCCCTCTTCT-3'